The following is an entry in ClinVar:

NM_007254.4(PNKP):c.152-1G>A

Gene: PNKP (polynucleotide kinase 3'-phosphatase; minus strand). Cytogenetic location: 19q13.33.
Variant type: single nucleotide variant.
Coding change: c.152-1G>A on transcript NM_007254.4 (MANE Select); the canonical splice acceptor site of the intron before coding-DNA position 152, G replaced by A.
Molecular consequence: splice acceptor variant.
Genome position (GRCh38, 1-based): chr19:49,866,446, C>T on the plus strand (G>A on the coding strand, the complement: PNKP is on the minus strand). VCF-style: chr19-49866446-C-T. GRCh37 (hg19) VCF-style: chr19-50369703-C-T.
Identifiers: ClinVar variation 3648846 (VCV003648846.2).

ClinVar aggregate classification (germline): Likely pathogenic (1 of 4 stars; one submission).

Conditions:
Developmental and epileptic encephalopathy, 12 (DEE12). Identifiers: MedGen C3150988, MONDO:0013389, OMIM 613722.

Submission:

Labcorp Genetics (formerly Invitae), Labcorp
Classification: Likely pathogenic for Developmental and epileptic encephalopathy, 12. Last evaluated: 2024-04-05. Review status: criteria provided, single submitter. Criteria: Invitae Variant Classification Sherloc (09022015). Collection method: clinical testing. Allele origin: germline.
Comment: This sequence change affects an acceptor splice site in intron 2 of the PNKP gene. It is expected to disrupt RNA splicing. Variants that disrupt the donor or acceptor splice site typically lead to a loss of protein function (PMID: 16199547), and loss-of-function variants in PNKP are known to be pathogenic (PMID: 20118933, 25728773). This variant is not present in population databases (gnomAD no frequency). This variant has not been reported in the literature in individuals affected with PNKP-related conditions. Algorithms developed to predict the effect of sequence changes on RNA splicing suggest that this variant may disrupt the consensus splice site. In summary, the currently available evidence indicates that the variant is pathogenic, but additional data are needed to prove that conclusively. Therefore, this variant has been classified as Likely Pathogenic.

Literature cited by the submitters: PubMed 16199547; PubMed 20118933; PubMed 25728773.